The following is an entry in ClinVar:

ClinVar aggregate classification (germline): Pathogenic (1 of 4 stars; one submission).

Conditions:
Skraban-Deardorff syndrome. Also called: INTELLECTUAL DISABILITY WITH SEIZURES, ABNORMAL GAIT, AND DISTINCTIVE FACIAL FEATURES; WDR26-Related Intellectual Disability. Identifiers: Orphanet 513456, MedGen C4539927, MONDO:0054636, OMIM 617616.

Submission:

Department of Medical and Surgical Sciences, University of Bologna
Classification: Pathogenic for Skraban-Deardorff syndrome. Last evaluated: 2022-10-27. Review status: criteria provided, single submitter. Criteria: ACMG Guidelines, 2015. Collection method: clinical testing. Allele origin: de novo. Inheritance: Sporadic. Affected: yes. Observed: 1 heterozygote.
Comment: The variant was found in a patient with a phenotype consistent with Skraban-Deardorff syndrome, and was evaluated as pathogenic according to the ACMG guideline (PVS1 + PM2 + PM6) [PMID: 36269129]

Literature cited by the submitters: PubMed 36269129.

NM_001379403.1(WDR26):c.834_838del (p.Asp278fs)

Gene: WDR26 (WD repeat domain 26; minus strand). Cytogenetic location: 1q42.12.
Variant type: Deletion.
Coding change: c.834_838del on transcript NM_001379403.1 (MANE Select); coding-DNA positions 834 to 838, 5 bases deleted (CCTGA; older notation c.834_838delCCTGA).
Protein change: p.Asp278fs; shifts the reading frame from aspartic acid 278.
Molecular consequence: frameshift variant.
Genome position (GRCh38, 1-based): chr1:224,431,566-224,431,570, TCAGG deleted on the plus strand (CCTGA on the coding strand, the reverse complement: WDR26 is on the minus strand); deleting any 5 consecutive bases within chr1:224,431,566-224,431,573 gives the same sequence; the c. name uses the placement nearest the transcript's 3' end. VCF-style (leftmost placement, unchanged base first): chr1-224431565-TTCAGG-T. GRCh37 (hg19) VCF-style: chr1-224619267-TTCAGG-T.
Other names: c.534_538del, p.Asp178fs (NM_001115113.3, NM_025160.7); short protein forms D178fs, D278fs.
Identifiers: ClinVar variation 1712271 (VCV001712271.2), dbSNP rs2464784089, ClinGen allele CA2580062233.